The following is an entry in ClinVar:

ClinVar aggregate classification (germline): Uncertain significance (1 of 4 stars; one submission).

Conditions:
Cataract 33. Also called: CATARACT 33, CORTICAL. Identifiers: Orphanet 91492, MedGen C3808107, MONDO:0012665, OMIM 611391.

Allele frequency attached by ClinVar (database versions not stated): ExAC 0.00001; gnomAD 0.00001; gnomAD exomes below 0.00001; TOPMed below 0.00001.
gnomAD v4.1: 7 of 1,614,088 alleles (0.00043%); highest among the groups gnomAD compares: Middle Eastern, 0.016%; no homozygotes.

Submission:

Labcorp Genetics (formerly Invitae), Labcorp
Classification: Uncertain significance for Cataract 33. Last evaluated: 2024-10-15. Review status: criteria provided, single submitter. Criteria: Invitae Variant Classification Sherloc (09022015). Collection method: clinical testing. Allele origin: germline.
Comment: This sequence change replaces aspartic acid, which is acidic and polar, with tyrosine, which is neutral and polar, at codon 388 of the BFSP1 protein (p.Asp388Tyr). This variant is present in population databases (rs755063095, gnomAD 0.003%). This variant has not been reported in the literature in individuals affected with BFSP1-related conditions. Invitae Evidence Modeling of protein sequence and biophysical properties (such as structural, functional, and spatial information, amino acid conservation, physicochemical variation, residue mobility, and thermodynamic stability) has been performed for this missense variant. However, the output from this modeling did not meet the statistical confidence thresholds required to predict the impact of this variant on BFSP1 protein function. In summary, the available evidence is currently insufficient to determine the role of this variant in disease. Therefore, it has been classified as a Variant of Uncertain Significance.

NM_001195.5(BFSP1):c.1162G>T (p.Asp388Tyr)

Gene: BFSP1 (beaded filament structural protein 1; minus strand). Cytogenetic location: 20p12.1.
Variant type: single nucleotide variant.
Coding change: c.1162G>T on transcript NM_001195.5 (MANE Select); coding-DNA position 1162, G replaced by T.
Protein change: p.Asp388Tyr; replaces aspartic acid 388 with tyrosine.
Molecular consequence: missense variant.
Genome position (GRCh38, 1-based): chr20:17,494,910, C>A on the plus strand (G>T on the coding strand, the complement: BFSP1 is on the minus strand). VCF-style: chr20-17494910-C-A. GRCh37 (hg19) VCF-style: chr20-17475555-C-A.
Other names: c.787G>T, p.Asp263Tyr (NM_001161705.2); c.745G>T, p.Asp249Tyr (NM_001278606.2, NM_001278608.2); c.829G>T, p.Asp277Tyr (NM_001278607.2); c.1054G>T, p.Asp352Tyr (NM_001424338.1); short protein forms D277Y, D388Y, D352Y, D249Y, D263Y.
Identifiers: ClinVar variation 2781433 (VCV002781433.3), dbSNP rs755063095, ClinGen allele CA9772110.
Genomic context (GRCh38, chr20:17,494,910, plus strand): 5'-TTTCCTCTTTAAGTACCACCTGTACCAGCTTTGTGTCTTCCAAACCTTTTAATGGTGCAT[C>A]TTCCAGAGCTCCGTTGGTTTTGTCTTTTGTTATAATCTCTTTTCTCCTTGGAACATTCTT-3'
Protein context (NP_001186.1, residues 378-398): TKDKTNGALE[Asp388Tyr]APLKGLEDTK